The following is an entry in ClinVar:

ClinVar aggregate classification (germline): Uncertain significance (1 of 4 stars; one submission).

Submission:

Labcorp Genetics (formerly Invitae), Labcorp
Classification: Uncertain significance. Last evaluated: 2022-03-18. Review status: criteria provided, single submitter. Criteria: Invitae Variant Classification Sherloc (09022015). Collection method: clinical testing. Allele origin: germline.
Comment: This sequence change replaces alanine, which is neutral and non-polar, with serine, which is neutral and polar, at codon 1990 of the CAD protein (p.Ala1990Ser). This variant is not present in population databases (gnomAD no frequency). This variant has not been reported in the literature in individuals affected with CAD-related conditions. Algorithms developed to predict the effect of missense changes on protein structure and function output the following: SIFT: "Tolerated"; PolyPhen-2: "Benign"; Align-GVGD: "Class C0". The serine amino acid residue is found in multiple mammalian species, which suggests that this missense change does not adversely affect protein function. In summary, the available evidence is currently insufficient to determine the role of this variant in disease. Therefore, it has been classified as a Variant of Uncertain Significance.

NM_004341.5(CAD):c.5968G>T (p.Ala1990Ser)

Gene: CAD (carbamoyl-phosphate synthetase 2, aspartate transcarbamylase, and dihydroorotase; plus strand). Cytogenetic location: 2p23.3.
Variant type: single nucleotide variant.
Coding change: c.5968G>T on transcript NM_004341.5 (MANE Select); coding-DNA position 5968, G replaced by T.
Protein change: p.Ala1990Ser; replaces alanine 1990 with serine.
Molecular consequence: missense variant.
Genome position (GRCh38, 1-based): chr2:27,241,995, G>T. VCF-style: chr2-27241995-G-T. GRCh37 (hg19) VCF-style: chr2-27464863-G-T.
Other names: c.5779G>T, p.Ala1927Ser (NM_001306079.2); short protein forms A1927S, A1990S.
Identifiers: ClinVar variation 1975984 (VCV001975984.5), dbSNP rs2465367023, ClinGen allele CA346224025.